The following is an entry in ClinVar:

ClinVar aggregate classification (germline): Uncertain significance. Review status: criteria provided, multiple submitters, no conflicts (2 of 4 stars). 3 submissions from 3 submitters: Uncertain significance (3). Last evaluated 2022-03-19.

Conditions:
Charcot-Marie-Tooth disease type 4H (CMT4H). Also called: CHARCOT-MARIE-TOOTH DISEASE, AUTOSOMAL RECESSIVE, TYPE 4H; CHARCOT-MARIE-TOOTH DISEASE, DEMYELINATING, AUTOSOMAL RECESSIVE, TYPE 4H; CHARCOT-MARIE-TOOTH NEUROPATHY, TYPE 4H; CHARCOT-MARIE-TOOTH DISEASE, DEMYELINATING, TYPE 4H. Identifiers: Orphanet 99954, MedGen C1836336, MONDO:0012250, OMIM 609311.
Charcot-Marie-Tooth disease type 4. Also called: Charcot-Marie-Tooth disease, type IV; Charcot-Marie-Tooth, Type 4. Identifiers: Orphanet 64749, MedGen C4082197, MONDO:0018995.
Inborn genetic diseases. Identifiers: MedGen C0950123, MeSH D030342.

Allele frequency attached by ClinVar (database versions not stated): TOPMed below 0.00001; ExAC 0.00001; gnomAD exomes 0.00001 and 0.00003.

Submissions (3):

Labcorp Genetics (formerly Invitae), Labcorp
Classification: Uncertain significance for Charcot-Marie-Tooth disease type 4. Last evaluated: 2022-03-19. Review status: criteria provided, single submitter. Criteria: Invitae Variant Classification Sherloc (09022015). Collection method: clinical testing. Allele origin: germline.
Comment: This sequence change replaces glutamic acid, which is acidic and polar, with lysine, which is basic and polar, at codon 104 of the FGD4 protein (p.Glu104Lys). This variant is present in population databases (rs752621629, gnomAD 0.004%). This variant has not been reported in the literature in individuals affected with FGD4-related conditions. ClinVar contains an entry for this variant (Variation ID: 308285). Algorithms developed to predict the effect of missense changes on protein structure and function (SIFT, PolyPhen-2, Align-GVGD) all suggest that this variant is likely to be tolerated. In summary, the available evidence is currently insufficient to determine the role of this variant in disease. Therefore, it has been classified as a Variant of Uncertain Significance.

Ambry Genetics
Classification: Uncertain significance for Inborn genetic diseases. Last evaluated: 2019-09-23. Review status: criteria provided, single submitter. Criteria: Ambry Variant Classification Scheme 2023. Collection method: clinical testing. Allele origin: germline.
Comment: The p.E104K variant (also known as c.310G>A), located in coding exon 2 of the FGD4 gene, results from a G to A substitution at nucleotide position 310. The glutamic acid at codon 104 is replaced by lysine, an amino acid with similar properties. This amino acid position is poorly conserved in available vertebrate species. In addition, this alteration is predicted to be tolerated by in silico analysis. Since supporting evidence is limited at this time, the clinical significance of this alteration remains unclear.

Illumina Laboratory Services, Illumina
Classification: Uncertain significance for Charcot-Marie-Tooth disease type 4H. Last evaluated: 2018-01-13. Review status: criteria provided, single submitter. Criteria: ICSL Variant Classification Criteria 13 December 2019. Collection method: clinical testing. Allele origin: germline.

NM_001370298.3(FGD4):c.721G>A (p.Glu241Lys)

Gene: FGD4 (FYVE, RhoGEF and PH domain containing 4; plus strand). Cytogenetic location: 12p11.21.
Variant type: single nucleotide variant.
Coding change: c.721G>A on transcript NM_001370298.3 (MANE Select); coding-DNA position 721, G replaced by A.
Protein change: p.Glu241Lys; replaces glutamic acid 241 with lysine.
Molecular consequence: missense variant. On other transcripts: 5 prime UTR variant (2), non-coding transcript variant (1), intron variant (1).
Genome position (GRCh38, 1-based): chr12:32,582,177, G>A. VCF-style: chr12-32582177-G-A. GRCh37 (hg19) VCF-style: chr12-32735111-G-A.
Other names: c.565G>A, p.Glu189Lys (NM_001304481.2); c.-535G>A (NM_001304483.2); c.-842G>A (NM_001304484.2); c.31G>A, p.Glu11Lys (NM_001330373.2, NM_001330374.2, NM_001384130.1); c.721G>A, p.Glu241Lys (NM_001384126.1); c.310G>A, p.Glu104Lys (NM_001384127.1, NM_001384128.1, NM_001384131.1 and 3 more transcripts); c.49-16320G>A (NM_001370297.1); short protein forms E189K, E104K, E11K, E241K.
Identifiers: ClinVar variation 308285 (VCV000308285.8), dbSNP rs752621629, ClinGen allele CA6506613.